The following is an entry in ClinVar:

ClinVar aggregate classification (germline): Uncertain significance (1 of 4 stars; one submission).

Allele frequency attached by ClinVar (database versions not stated): gnomAD exomes below 0.00001.
gnomAD v4.1: 2 of 1,611,416 alleles (0.00012%); highest among the groups gnomAD compares: Non-Finnish European, 0.00017%; no homozygotes.

Submission:

Labcorp Genetics (formerly Invitae), Labcorp
Classification: Uncertain significance. Last evaluated: 2025-03-31. Review status: criteria provided, single submitter. Criteria: Invitae Variant Classification Sherloc (09022015). Collection method: clinical testing. Allele origin: germline.
Comment: This sequence change replaces arginine, which is basic and polar, with cysteine, which is neutral and slightly polar, at codon 229 of the IRF9 protein (p.Arg229Cys). This variant is present in population databases (no rsID available, gnomAD 0.006%). This variant has not been reported in the literature in individuals affected with IRF9-related conditions. ClinVar contains an entry for this variant (Variation ID: 2989455). An algorithm developed to predict the effect of missense changes on protein structure and function outputs the following: PolyPhen-2: "Benign". The cysteine amino acid residue is found in multiple mammalian species, which suggests that this missense change does not adversely affect protein function. In summary, the available evidence is currently insufficient to determine the role of this variant in disease. Therefore, it has been classified as a Variant of Uncertain Significance.

NM_006084.5(IRF9):c.685C>T (p.Arg229Cys)

Gene: IRF9 (interferon regulatory factor 9; plus strand). Cytogenetic location: 14q12.
Variant type: single nucleotide variant.
Coding change: c.685C>T on transcript NM_006084.5 (MANE Select); coding-DNA position 685, C replaced by T.
Protein change: p.Arg229Cys; replaces arginine 229 with cysteine.
Molecular consequence: missense variant. On other transcripts: intron variant (1).
Genome position (GRCh38, 1-based): chr14:24,164,649, C>T. VCF-style: chr14-24164649-C-T. GRCh37 (hg19) VCF-style: chr14-24633858-C-T.
Other names: c.712C>T, p.Arg238Cys (NM_001385400.1, NM_001385401.1); c.650-228C>T (NM_001385402.1); short protein forms R229C, R238C.
Identifiers: ClinVar variation 2989455 (VCV002989455.3), dbSNP rs1460125657, ClinGen allele CA389207116.